The following is an entry in ClinVar:

ClinVar aggregate classification (germline): Likely benign (1 of 4 stars; one submission).

Allele frequency attached by ClinVar (database versions not stated): 1000 Genomes Project 0.00359; 1000 Genomes Project 30x 0.00359; gnomAD 0.00364 and 0.00396; TOPMed 0.00401.
gnomAD v4.1: 556 of 152,308 alleles (0.37%); highest among the groups gnomAD compares: African/African-American, 1.3%; 2 homozygotes.

Submission:

GeneDx
Classification: Likely benign. Last evaluated: 2018-06-19. Review status: criteria provided, single submitter. Criteria: GeneDx Variant Classification (06012015). Collection method: clinical testing. Allele origin: germline. Affected: yes.
Comment: This variant is considered likely benign or benign based on one or more of the following criteria: it is a conservative change, it occurs at a poorly conserved position in the protein, it is predicted to be benign by multiple in silico algorithms, and/or has population frequency not consistent with disease.

NM_001103.4(ACTN2):c.2368-169C>A

Gene: ACTN2 (actinin alpha 2; plus strand). Cytogenetic location: 1q43.
Variant type: single nucleotide variant.
Coding change: c.2368-169C>A on transcript NM_001103.4 (MANE Select); 169 bases into the intron before coding-DNA position 2368, C replaced by A.
Molecular consequence: intron variant.
Genome position (GRCh38, 1-based): chr1:236,760,846, C>A. VCF-style: chr1-236760846-C-A. GRCh37 (hg19) VCF-style: chr1-236924146-C-A.
Other names: c.1744-169C>A (NM_001278344.2); c.2368-169C>A (NM_001278343.2).
Identifiers: ClinVar variation 675763 (VCV000675763.1), dbSNP rs111935712, ClinGen allele CA39746153.